The following is an entry in ClinVar:

NM_004364.5(CEBPA):c.512A>C (p.Lys171Thr)

Gene: CEBPA (CCAAT enhancer binding protein alpha; minus strand). Cytogenetic location: 19q13.11.
Variant type: single nucleotide variant.
Coding change: c.512A>C on transcript NM_004364.5 (MANE Select); coding-DNA position 512, A replaced by C.
Protein change: p.Lys171Thr; replaces lysine 171 with threonine.
Molecular consequence: missense variant.
Genome position (GRCh38, 1-based): chr19:33,301,903, T>G on the plus strand (A>C on the coding strand, the complement: CEBPA is on the minus strand). VCF-style: chr19-33301903-T-G. GRCh37 (hg19) VCF-style: chr19-33792809-T-G.
Other names: c.155A>C, p.Lys52Thr (NM_001285829.2); c.617A>C, p.Lys206Thr (NM_001287424.2); c.470A>C, p.Lys157Thr (NM_001287435.2); short protein forms K157T, K171T, K206T, K52T.
Identifiers: ClinVar variation 1720373 (VCV001720373.7), dbSNP rs1305666671, ClinGen allele CA405274790.

ClinVar aggregate classification (germline): Uncertain significance. Review status: criteria provided, multiple submitters, no conflicts (2 of 4 stars). 2 submissions from 2 submitters: Uncertain significance (2). Last evaluated 2024-12-12.

Conditions:
Acute myeloid leukemia (AML). Also called: Leukemia, acute myeloid, somatic; Leukemia, acute myelogenous, somatic; Acute myeloid leukemia, adult; AML adult; Acute non-lymphocytic leukemia; Acute granulocytic leukemia. Identifiers: Orphanet 519, MedGen C0023467, MeSH D015470, MONDO:0018874, OMIM 601626, HP:0004808. Disease mechanism: Constitutively activated FLT3.
Inborn genetic diseases. Identifiers: MedGen C0950123, MeSH D030342.

Submissions (2):

Ambry Genetics
Classification: Uncertain significance for Inborn genetic diseases. Last evaluated: 2024-12-12. Review status: criteria provided, single submitter. Criteria: Ambry Variant Classification Scheme 2023. Collection method: clinical testing. Allele origin: germline.
Comment: The p.K171T variant (also known as c.512A>C), located in coding exon 1 of the CEBPA gene, results from an A to C substitution at nucleotide position 512. The lysine at codon 171 is replaced by threonine, an amino acid with similar properties. This amino acid position is conserved. In addition, this alteration is predicted to be tolerated by in silico analysis. Based on the available evidence, the clinical significance of this variant remains unclear.

Labcorp Genetics (formerly Invitae), Labcorp
Classification: Uncertain significance for Acute myeloid leukemia. Last evaluated: 2022-09-25. Review status: criteria provided, single submitter. Criteria: Invitae Variant Classification Sherloc (09022015). Collection method: clinical testing. Allele origin: germline.
Comment: This sequence change replaces lysine, which is basic and polar, with threonine, which is neutral and polar, at codon 171 of the CEBPA protein (p.Lys171Thr). This variant is not present in population databases (gnomAD no frequency). This variant has not been reported in the literature in individuals affected with CEBPA-related conditions. Advanced modeling of protein sequence and biophysical properties (such as structural, functional, and spatial information, amino acid conservation, physicochemical variation, residue mobility, and thermodynamic stability) performed at Invitae indicates that this missense variant is not expected to disrupt CEBPA protein function. In summary, the available evidence is currently insufficient to determine the role of this variant in disease. Therefore, it has been classified as a Variant of Uncertain Significance.